The following is an entry in ClinVar:

NM_005909.5(MAP1B):c.2851G>A (p.Ala951Thr)

Gene: MAP1B (microtubule associated protein 1B; plus strand). Cytogenetic location: 5q13.2.
Variant type: single nucleotide variant.
Coding change: c.2851G>A on transcript NM_005909.5 (MANE Select); coding-DNA position 2851, G replaced by A.
Protein change: p.Ala951Thr; replaces alanine 951 with threonine.
Molecular consequence: missense variant.
Genome position (GRCh38, 1-based): chr5:72,196,206, G>A. VCF-style: chr5-72196206-G-A. GRCh37 (hg19) VCF-style: chr5-71492033-G-A.
Other names: c.2473G>A, p.Ala825Thr (NM_001324255.2); short protein forms A825T, A951T.
Identifiers: ClinVar variation 4884909 (VCV004884909.2).

ClinVar aggregate classification (germline): Uncertain significance (1 of 4 stars; one submission).

Submission:

Dasa
Classification: Uncertain significance. Last evaluated: 2026-03-27. Review status: criteria provided, single submitter. Criteria: DASA Assertion Criteria. Collection method: clinical testing. Allele origin: germline.
Comment: NM_005909.5(MAP1B):c.2851G>A (p.Ala951Thr) is a missense variant that results in the substitution of alanine with threonine. This variant is rare in population databases. Computational prediction algorithms are consistent with a benign effect. The currently available literature and clinical evidence are not sufficient to establish a definitive association between this variant and the reported condition. Therefore, this variant is classified as a variant of uncertain significance.